The following is an entry in ClinVar:

NM_020774.4(MIB1):c.340C>G (p.His114Asp)

Gene: MIB1 (MIB E3 ubiquitin protein ligase 1; plus strand). Cytogenetic location: 18q11.2.
Variant type: single nucleotide variant.
Coding change: c.340C>G on transcript NM_020774.4 (MANE Select); coding-DNA position 340, C replaced by G.
Protein change: p.His114Asp; replaces histidine 114 with aspartic acid.
Molecular consequence: missense variant.
Genome position (GRCh38, 1-based): chr18:21,765,882, C>G. VCF-style: chr18-21765882-C-G. GRCh37 (hg19) VCF-style: chr18-19345843-C-G.
Other names: short protein forms H114D.
Identifiers: ClinVar variation 4852715 (VCV004852715.2).
Genomic context (GRCh38, chr18:21,765,882, plus strand): 5'-ATTGGCATTCGATGGAAGTGTGCAGAGTGTACAAATTATGATTTGTGCACAGTGTGTTAT[C>G]ATGGAGATAAACATCATTTAAGACATCGCTTTTACCGAATTACTACACCGGGAAGTGAGA-3'
Protein context (NP_065825.1, residues 104-124): TNYDLCTVCY[His114Asp]GDKHHLRHRF

ClinVar aggregate classification (germline): Uncertain significance (1 of 4 stars; one submission).

Submission:

Dasa
Classification: Uncertain significance. Last evaluated: 2025-02-21. Review status: criteria provided, single submitter. Criteria: DASA Assertion Criteria. Collection method: clinical testing. Allele origin: germline.
Comment: NM_020774.4(MIB1):c.340C>G (p.His114Asp) is a missense variant that results in the substitution of histidine with aspartic acid. This variant is absent from population databases. Computational prediction algorithms are consistent with a deleterious effect. The currently available literature and clinical evidence are not sufficient to establish a definitive association between this variant and the reported condition. Therefore, this variant is classified as a variant of uncertain significance.